The following is an entry in ClinVar:

ClinVar aggregate classification (germline): Benign. Review status: criteria provided, multiple submitters, no conflicts (2 of 4 stars). 2 submissions from 2 submitters: Benign (2). Last evaluated 2018-06-16.

Allele frequency attached by ClinVar (database versions not stated): 1000 Genomes Project 30x 0.03638; 1000 Genomes Project 0.03674; TOPMed 0.07219; gnomAD 0.08022 and 0.08281; gnomAD exomes 0.09710.
gnomAD v4.1: 80,936 of 861,958 alleles (9.4%); highest among the groups gnomAD compares: Non-Finnish European, 12%; 4,778 homozygotes.

Submissions (2):

GeneDx
Classification: Benign. Last evaluated: 2018-06-16. Review status: criteria provided, single submitter. Criteria: GeneDx Variant Classification (06012015). Collection method: clinical testing. Allele origin: germline. Affected: yes.
Comment: This variant is considered likely benign or benign based on one or more of the following criteria: it is a conservative change, it occurs at a poorly conserved position in the protein, it is predicted to be benign by multiple in silico algorithms, and/or has population frequency not consistent with disease.

Breakthrough Genomics
Classification: Benign. Review status: criteria provided, single submitter. Criteria: ACMG Guidelines, 2015. Collection method: not provided. Allele origin: germline. Inheritance: Autosomal recessive inheritance. Affected: yes.

NM_000182.5(HADHA):c.1620+132C>T

Genes: GAREM2 (GRB2 associated regulator of MAPK1 subtype 2; plus strand), HADHA (hydroxyacyl-CoA dehydrogenase trifunctional multienzyme complex subunit alpha; minus strand). Cytogenetic location: 2p23.3.
Variant type: single nucleotide variant.
Coding change: c.1620+132C>T on transcript NM_000182.5 (MANE Select); 132 bases into the intron after coding-DNA position 1620, C replaced by T.
Molecular consequence: intron variant.
Genome position (GRCh38, 1-based): chr2:26,194,960, G>A on the plus strand (C>T on the coding strand, the complement: HADHA is on the minus strand). VCF-style: chr2-26194960-G-A. GRCh37 (hg19) VCF-style: chr2-26417829-G-A.
Identifiers: ClinVar variation 676286 (VCV000676286.2), dbSNP rs17593512, ClinGen allele CA11214023.